The following is an entry in ClinVar:

ClinVar aggregate classification (germline): Uncertain significance (1 of 4 stars; one submission).

Conditions:
Familial cold autoinflammatory syndrome 2 (FCAS2). Identifiers: Orphanet 247868, MedGen C2673198, MONDO:0012724, OMIM 611762.

Submission:

Labcorp Genetics (formerly Invitae), Labcorp
Classification: Uncertain significance for Familial cold autoinflammatory syndrome 2. Last evaluated: 2025-03-18. Review status: criteria provided, single submitter. Criteria: Invitae Variant Classification Sherloc (09022015). Collection method: clinical testing. Allele origin: germline.
Comment: This variant, c.2797_2799dup, results in the insertion of 1 amino acid(s) of the NLRP12 protein (p.Leu933dup), but otherwise preserves the integrity of the reading frame. This variant is not present in population databases (gnomAD no frequency). This variant has not been reported in the literature in individuals affected with NLRP12-related conditions. ClinVar contains an entry for this variant (Variation ID: 1487958). Experimental studies and prediction algorithms are not available or were not evaluated, and the functional significance of this variant is currently unknown. Algorithms developed to predict the effect of sequence changes on RNA splicing suggest that this variant may create or strengthen a splice site. In summary, the available evidence is currently insufficient to determine the role of this variant in disease. Therefore, it has been classified as a Variant of Uncertain Significance.

NM_144687.4(NLRP12):c.2797_2799dup (p.Leu933dup)

Gene: NLRP12 (NLR family pyrin domain containing 12; minus strand). Cytogenetic location: 19q13.42.
Variant type: Duplication.
Coding change: c.2797_2799dup on transcript NM_144687.4 (MANE Select); coding-DNA positions 2797 to 2799, 3 bases duplicated (CTT; older notation c.2797_2799dupCTT).
Protein change: p.Leu933dup; duplicates leucine 933.
Molecular consequence: inframe insertion. On other transcripts: intron variant (1).
Genome position (GRCh38, 1-based): chr19:53,798,371-53,798,373, AAG duplicated on the plus strand (CTT on the coding strand, the reverse complement: NLRP12 is on the minus strand); duplicating any 3 consecutive bases within chr19:53,798,371-53,798,374 gives the same sequence; the c. name uses the placement nearest the transcript's 3' end. VCF-style (leftmost placement, unchanged base first): chr19-53798370-A-AAAG. GRCh37 (hg19) VCF-style: chr19-54301624-A-AAAG.
Other names: c.2800_2802dup, p.Leu934dup (NM_001277126.2); c.2757-2344_2757-2342dup (NM_001277129.1).
Identifiers: ClinVar variation 1487958 (VCV001487958.8), dbSNP rs2122532843, ClinGen allele CA2573156641.
Genomic context (GRCh38, chr19:53,798,370, plus strand): 5'-CCAGGTCGTTGAAACTCAAGTCCAGCTCCCGGAGGTTGTGGTTGGCCTGGAGCACCACAG[A>AAAG]AAGACCCTCACAGGCGGCAGAGCCCAGCCGGCAGATGCCCAACCTGCAAAGACAGGATGC-3'